The following is an entry in ClinVar:

ClinVar aggregate classification (germline): Pathogenic (1 of 4 stars; one submission).

Conditions:
Peutz-Jeghers syndrome (PJS). Also called: POLYPOSIS, HAMARTOMATOUS INTESTINAL; POLYPS-AND-SPOTS SYNDROME; Peutz-Jeghers polyposis; Periorificial lentiginosis syndrome. Identifiers: Orphanet 2869, MedGen C0031269, MeSH D010580, MONDO:0008280, OMIM 175200.

Submission:

Labcorp Genetics (formerly Invitae), Labcorp
Classification: Pathogenic for Peutz-Jeghers syndrome. Last evaluated: 2021-11-15. Review status: criteria provided, single submitter. Criteria: Invitae Variant Classification Sherloc (09022015). Collection method: clinical testing. Allele origin: germline.
Comment: For these reasons, this variant has been classified as Pathogenic. This variant has not been reported in the literature in individuals affected with STK11-related conditions. This variant is not present in population databases (gnomAD no frequency). This sequence change creates a premature translational stop signal (p.Pro144Serfs*13) in the STK11 gene. It is expected to result in an absent or disrupted protein product. Loss-of-function variants in STK11 are known to be pathogenic (PMID: 15188174, 16287113).

Literature cited by the submitters: PubMed 15188174; PubMed 16287113.

NM_000455.5(STK11):c.429_441del (p.Pro144fs)

Gene: STK11 (serine/threonine kinase 11; plus strand). Cytogenetic location: 19p13.3.
Variant type: Deletion.
Coding change: c.429_441del on transcript NM_000455.5 (MANE Select); coding-DNA positions 429 to 441, 13 bases deleted (GCCGGAGAAGCGT).
Protein change: p.Pro144fs; shifts the reading frame from proline 144.
Molecular consequence: frameshift variant.
Genome position (GRCh38, 1-based): chr19:1,219,378-1,219,390, GCCGGAGAAGCGT deleted; deleting any 13 consecutive bases within chr19:1,219,373-1,219,390 gives the same sequence; the c. name uses the placement nearest the transcript's 3' end. VCF-style (leftmost placement, unchanged base first): chr19-1219372-CAGCGTGCCGGAGA-C. GRCh37 (hg19) VCF-style: chr19-1219371-CAGCGTGCCGGAGA-C.
Other names: short protein forms P144fs.
Identifiers: ClinVar variation 1451294 (VCV001451294.6), dbSNP rs2145422371, ClinGen allele CA2573155755.